The following is an entry in ClinVar:

ClinVar aggregate classification (germline): Uncertain significance (1 of 4 stars; one submission).

gnomAD v4.1: 2 of 1,563,776 alleles (0.00013%); highest among the groups gnomAD compares: South Asian, 0.0012%; no homozygotes.

Submission:

Labcorp Genetics (formerly Invitae), Labcorp
Classification: Uncertain significance. Last evaluated: 2023-08-04. Review status: criteria provided, single submitter. Criteria: Invitae Variant Classification Sherloc (09022015). Collection method: clinical testing. Allele origin: germline.
Comment: In summary, the available evidence is currently insufficient to determine the role of this variant in disease. Therefore, it has been classified as a Variant of Uncertain Significance. An algorithm developed to predict the effect of missense changes on protein structure and function (PolyPhen-2) suggests that this variant is likely to be disruptive. ClinVar contains an entry for this variant (Variation ID: 1955005). This variant has not been reported in the literature in individuals affected with MPLKIP-related conditions. This variant is not present in population databases (gnomAD no frequency). This sequence change replaces threonine, which is neutral and polar, with serine, which is neutral and polar, at codon 51 of the MPLKIP protein (p.Thr51Ser).

NM_138701.4(MPLKIP):c.151A>T (p.Thr51Ser)

Genes: MPLKIP (M-phase specific PLK1 interacting protein; minus strand), LOC129998295 (ATAC-STARR-seq lymphoblastoid silent region 18117; plus strand). Cytogenetic location: 7p14.1.
Variant type: single nucleotide variant.
Coding change: c.151A>T on transcript NM_138701.4 (MANE Select); coding-DNA position 151, A replaced by T.
Protein change: p.Thr51Ser; replaces threonine 51 with serine.
Molecular consequence: missense variant.
Genome position (GRCh38, 1-based): chr7:40,134,417, T>A on the plus strand (A>T on the coding strand, the complement: MPLKIP is on the minus strand). VCF-style: chr7-40134417-T-A. GRCh37 (hg19) VCF-style: chr7-40174016-T-A.
Other names: short protein forms T51S.
Identifiers: ClinVar variation 1955005 (VCV001955005.5), dbSNP rs1787553420, ClinGen allele CA367308486.
Genomic context (GRCh38, chr7:40,134,417, plus strand): 5'-CGCCGTGTCGCGGAGAGTGACTGCTCCCGTACGGCCTAGACCGGGGCCCGTACGGCGGCG[T>A]GTGGTGCGGACTCCCGTACCCGTCTCGAGGGGAGGGCGGCCGTGGTCCGCCCCCGCCCGG-3'
Protein context (NP_619646.1, residues 41-61): PRDGYGSPHH[Thr51Ser]PPYGPRSRPY